The following is an entry in ClinVar:

ClinVar aggregate classification (germline): Conflicting classifications of pathogenicity. Review status: criteria provided, conflicting classifications (1 of 4 stars). 17 submissions from 13 submitters: Uncertain significance (7); Benign (2); Likely benign (8). Last evaluated 2025-06-05.

Conditions:
TTN-related disorder. Also called: TTN-related condition; TTN-related disease; TTN-related disorders.
Dilated cardiomyopathy 1G (CMD1G). Identifiers: Orphanet 154, MedGen C1858763, MONDO:0011400, OMIM 604145.
Autosomal recessive limb-girdle muscular dystrophy type 2J (LGMDR10). Also called: Limb-girdle muscular dystrophy, type 2J; MUSCULAR DYSTROPHY, LIMB-GIRDLE, AUTOSOMAL RECESSIVE 10. Identifiers: Orphanet 140922, MedGen C1837342, MONDO:0012127, OMIM 608807.
Cardiovascular phenotype. Identifiers: MedGen CN230736.
Cardiomyopathy (CMYO). Also called: Cardiomyopathies. Identifiers: Orphanet 167848, MedGen C0878544, MONDO:0004994, HP:0001638. Inheritance: Various modes of inheritance.
Early-onset myopathy with fatal cardiomyopathy (CMYO5). Also called: Salih Myopathy; CONGENITAL MYOPATHY 5 WITH CARDIOMYOPATHY. Identifiers: Orphanet 289377, MedGen C2673677, MONDO:0012714, OMIM 611705. Disease mechanism: loss of function.
Myopathy, myofibrillar, 9, with early respiratory failure (MFM9). Also called: Hereditary myopathy with early respiratory failure; Myopathy, distal, with early respiratory failure, autosomal dominant; EDSTROM MYOPATHY; MYOPATHY, PROXIMAL, WITH EARLY RESPIRATORY MUSCLE INVOLVEMENT. Identifiers: Orphanet 178464, Orphanet 34521, MedGen C1863599, MONDO:0011362, OMIM 603689.
Tibial muscular dystrophy (TMD). Also called: Udd Distal Myopathy – Tibial Muscular Dystrophy; Tibial muscular dystrophy, tardive; UDD MYOPATHY. Identifiers: Orphanet 609, MedGen C1838244, MONDO:0010870, OMIM 600334.

Allele frequency attached by ClinVar (database versions not stated): ESP Exome Variant Server 0.00033; gnomAD 0.00033 and 0.00035; ExAC 0.00038; gnomAD exomes 0.00040 and 0.00058; TOPMed 0.00040; 1000 Genomes Project 0.00060; 1000 Genomes Project 30x 0.00062.
gnomAD v4.1: 886 of 1,613,728 alleles (0.055%); highest among the groups gnomAD compares: Admixed American, 0.08%; no homozygotes.

Submissions (17):

PreventionGenetics, part of Exact Sciences
Classification: Likely benign for TTN-related condition. Last evaluated: 2025-06-05. Review status: criteria provided, single submitter. Criteria: ACMG Guidelines, 2015. Collection method: clinical testing. Allele origin: germline.
Comment: This variant is classified as likely benign based on ACMG/AMP sequence variant interpretation guidelines (Richards et al. 2015 PMID: 25741868, with internal and published modifications).

Molecular Diagnostic Laboratory for Inherited Cardiovascular Disease, Montreal Heart Institute
Classification: Likely benign. Last evaluated: 2025-04-09. Review status: criteria provided, single submitter. Criteria: ACMG Guidelines, 2015. Collection method: clinical testing. Allele origin: germline. Affected: no.

Blueprint Genetics
Classification: Likely benign. Last evaluated: 2024-11-13. Review status: criteria provided, single submitter. Criteria: ACMG Guidelines, 2015. Collection method: clinical testing. Allele origin: germline.

Mayo Clinic Laboratories, Mayo Clinic
Classification: Likely benign. Last evaluated: 2024-10-09. Review status: criteria provided, single submitter. Criteria: ACMG Guidelines, 2015. Collection method: clinical testing. Allele origin: germline. Observed: 4 variant alleles.
Comment: BS1

CeGaT Center for Human Genetics Tuebingen
Classification: Uncertain significance. Last evaluated: 2024-10-01. Review status: criteria provided, single submitter. Criteria: CeGaT Center For Human Genetics Tuebingen Variant Classification Criteria Version 2. Collection method: clinical testing. Allele origin: germline. Affected: yes. Observed: 1 variant allele.
Comment: TTN: PM2:Supporting

GeneDx
Classification: Likely benign. Last evaluated: 2021-05-20. Review status: criteria provided, single submitter. Criteria: GeneDx Variant Classification Process June 2021. Collection method: clinical testing. Allele origin: germline. Affected: yes.
Comment: This variant is associated with the following publications: (PMID: 23396983)

Women's Health and Genetics/Laboratory Corporation of America, LabCorp
Classification: Likely benign. Last evaluated: 2020-10-19. Review status: criteria provided, single submitter. Criteria: LabCorp Variant Classification Summary - May 2015. Collection method: clinical testing. Allele origin: germline.
Comment: Variant summary: TTN c.80386G>A (p.Gly26796Ser) results in a non-conservative amino acid change in the encoded protein sequence. Four of five in-silico tools predict a damaging effect of the variant on protein function. The variant allele was found at a frequency of 0.00039 in 279726 control chromosomes, predominantly at a frequency of 0.00063 within the Non-Finnish European subpopulation in the gnomAD database. The observed variant frequency within Non-Finnish European control individuals in the gnomAD database is approximately 1.6 fold of the estimated maximal expected allele frequency for a pathogenic variant in TTN causing Dilated Cardiomyopathy phenotype (0.00039), strongly suggesting that the variant is a benign polymorphism found primarily in populations of Non-Finnish European origin. c.80386G>A has been reported in the literature in individuals affected with hypertrophic cardiomyopathy (HCM) and arrhythmogenic right ventricular cardiomyopathy (ARVC), however, in at least one of these patients a co-occurring pathogenic variant could explain the phenotype (Lopes_2013, Campuzano_2015). These reports do not support the association of the variant with Dilated Cardiomyopathy. To our knowledge, no experimental evidence demonstrating an impact on protein function has been reported. Five clinical diagnostic laboratories have submitted clinical-significance assessments for this variant to ClinVar after 2014 without evidence for independent evaluation, and classified the variant as VUS (4x) or likely benign (1x). Based on the evidence outlined above, the variant was classified as likely benign.

Ambry Genetics
Classification: Likely benign for Cardiovascular phenotype. Last evaluated: 2020-03-16. Review status: criteria provided, single submitter. Criteria: Ambry Variant Classification Scheme 2023. Collection method: clinical testing. Allele origin: germline.

CHEO Genetics Diagnostic Laboratory, Children's Hospital of Eastern Ontario
Classification: Likely benign for Cardiomyopathy. Last evaluated: 2019-05-29. Review status: criteria provided, single submitter. Criteria: ACMG Guidelines, 2015. Collection method: clinical testing. Allele origin: germline.

Illumina Laboratory Services, Illumina
Classification: Benign for Tibial muscular dystrophy. Last evaluated: 2018-01-12. Review status: criteria provided, single submitter. Criteria: ICSL Variant Classification Criteria 13 December 2019. Collection method: clinical testing. Allele origin: germline.
Comment: This variant was observed in the ICSL laboratory as part of a predisposition screen in an ostensibly healthy population. It had not been previously curated by ICSL or reported in the Human Gene Mutation Database (HGMD: prior to June 1st, 2018), and was therefore a candidate for classification through an automated scoring system. Utilizing variant allele frequency, disease prevalence and penetrance estimates, and inheritance mode, an automated score was calculated to assess if this variant is too frequent to cause the disease. Based on the score and internal cut-off values, a variant classified as benign is not then subjected to further curation. The score for this variant resulted in a classification of benign for this disease.

Illumina Laboratory Services, Illumina
Classification: Uncertain significance for Early-onset myopathy with fatal cardiomyopathy. Last evaluated: 2018-01-12. Review status: criteria provided, single submitter. Criteria: ICSL Variant Classification Criteria 13 December 2019. Collection method: clinical testing. Allele origin: germline.

Illumina Laboratory Services, Illumina
Classification: Uncertain significance for Autosomal recessive limb-girdle muscular dystrophy type 2J. Last evaluated: 2018-01-12. Review status: criteria provided, single submitter. Criteria: ICSL Variant Classification Criteria 13 December 2019. Collection method: clinical testing. Allele origin: germline.

Illumina Laboratory Services, Illumina
Classification: Uncertain significance for Dilated cardiomyopathy 1G. Last evaluated: 2018-01-12. Review status: criteria provided, single submitter. Criteria: ICSL Variant Classification Criteria 13 December 2019. Collection method: clinical testing. Allele origin: germline.

Illumina Laboratory Services, Illumina
Classification: Benign for Myopathy, myofibrillar, 9, with early respiratory failure. Last evaluated: 2018-01-12. Review status: criteria provided, single submitter. Criteria: ICSL Variant Classification Criteria 13 December 2019. Collection method: clinical testing. Allele origin: germline.
Comment: the same text as in the submission from Illumina Laboratory Services, Illumina above.

Labcorp Genetics (formerly Invitae), Labcorp
Classification: Uncertain significance for Dilated cardiomyopathy 1G; Autosomal recessive limb-girdle muscular dystrophy type 2J. Last evaluated: 2017-12-01. Review status: criteria provided, single submitter. Criteria: Invitae Variant Classification Sherloc (09022015). Collection method: clinical testing. Allele origin: germline.

Eurofins Ntd Llc (ga)
Classification: Uncertain significance. Last evaluated: 2016-06-09. Review status: criteria provided, single submitter. Criteria: EGL Classification Definitions 2015. Collection method: clinical testing. Allele origin: germline. Observed: 4 variant alleles, 4 heterozygotes.

Laboratory for Molecular Medicine, Mass General Brigham Personalized Medicine
Classification: Uncertain significance. Last evaluated: 2013-02-08. Review status: criteria provided, single submitter. Criteria: LMM Criteria. Collection method: clinical testing. Allele origin: germline. Observed: 1 variant allele.
Comment: The Gly26796Ser variant in TTN has not been reported in the literature nor previ ously identified by our laboratory. This variant has been identified in 4/8292 E uropean American chromosomes from a broad population by the NHLBI Exome Sequenci ng Project (dbSNP rs183013408). Computationa l analyses (biochemical amino acid properties, conservation, AlignGVGD, PolyPhen 2, and SIFT) do not provide strong support for or against an impact to the prote in. Additional information is needed to fully assess the clinical significance of the Gly26796Ser variant.

Literature cited by the submitters: PubMed 23396983 (cited by Women's Health and Genetics/Laboratory Corporation of America, LabCorp and Ambry Genetics); PubMed 26516846 (cited by Women's Health and Genetics/Laboratory Corporation of America, LabCorp).

NM_001267550.2(TTN):c.88090G>A (p.Gly29364Ser)

Genes: TTN (titin; minus strand), TTN-AS1 (TTN antisense RNA 1; plus strand). Cytogenetic location: 2q31.2.
Variant type: single nucleotide variant.
Coding change: c.88090G>A on transcript NM_001267550.2 (MANE Select); coding-DNA position 88090, G replaced by A.
Protein change: p.Gly29364Ser; replaces glycine 29364 with serine.
Molecular consequence: missense variant.
Genome position (GRCh38, 1-based): chr2:178,557,064, C>T on the plus strand (G>A on the coding strand, the complement: TTN is on the minus strand). VCF-style: chr2-178557064-C-T. GRCh37 (hg19) VCF-style: chr2-179421791-C-T.
Other names: p.G27723S:GGT>AGT; p.Gly27723Ser; c.83167G>A, p.Gly27723Ser (NM_001256850.1); c.60895G>A, p.Gly20299Ser (NM_003319.4); c.80386G>A, p.Gly26796Ser (NM_133378.4); c.61270G>A, p.Gly20424Ser (NM_133432.3); c.61471G>A, p.Gly20491Ser (NM_133437.4); short protein forms G29364S, G26796S, G27723S, G20299S, G20491S, G20424S.
Identifiers: ClinVar variation 47473 (VCV000047473.42), dbSNP rs183013408, ClinGen allele CA141118.